The following is an entry in ClinVar:

NM_000891.3(KCNJ2):c.*1350G>A

Gene: KCNJ2 (potassium inwardly rectifying channel subfamily J member 2; plus strand). Cytogenetic location: 17q24.3.
Variant type: single nucleotide variant.
Coding change: c.*1350G>A on transcript NM_000891.3 (MANE Select); 1350 bases downstream of the stop codon, G replaced by A.
Molecular consequence: 3 prime UTR variant.
Genome position (GRCh38, 1-based): chr17:70,177,673, G>A. VCF-style: chr17-70177673-G-A. GRCh37 (hg19) VCF-style: chr17-68173814-G-A.
Identifiers: ClinVar variation 324855 (VCV000324855.6), dbSNP rs116077770, ClinGen allele CA10649970.
Genomic context (GRCh38, chr17:70,177,673, plus strand): 5'-CTGGATTGAGTCCTACAGTGTCAGATAGGGCGGCAAATGCCAAAGCAGGGAAACAGGGAG[G>A]TGTGGACAAGCCAGTTTGATGCAGCACTTCAGATCAAGTGCTTAGGAAGGAGAGGAAACT-3'

ClinVar aggregate classification (germline): Benign/Likely benign. Review status: criteria provided, multiple submitters, no conflicts (2 of 4 stars). 4 submissions from 2 submitters: Benign (2); Likely benign (2). Last evaluated 2021-12-15.

Conditions:
Atrial fibrillation, familial, 9 (ATFB9). Identifiers: MedGen C3151431, MONDO:0013513, OMIM 613980.
Andersen Tawil syndrome (LQT7). Also called: Potassium-sensitive periodic paralysis, ventricular ectopy, and dysmorphic features; ANDERSEN CARDIODYSRHYTHMIC PERIODIC PARALYSIS; LONG QT SYNDROME 7; PERIODIC PARALYSIS, POTASSIUM-SENSITIVE CARDIODYSRHYTHMIC TYPE; Andersen Syndrome. Identifiers: Orphanet 37553, MedGen C1563715, MONDO:0008222, OMIM 170390.
Short QT syndrome type 3. Identifiers: Orphanet 51083, MedGen C1865018, MONDO:0012314, OMIM 609622.

Allele frequency attached by ClinVar (database versions not stated): gnomAD 0.00348 and 0.00360; TOPMed 0.00374; 1000 Genomes Project 0.00559; 1000 Genomes Project 30x 0.00609.

Submissions (4):

GeneDx
Classification: Likely benign. Last evaluated: 2021-12-15. Review status: criteria provided, single submitter. Criteria: GeneDx Variant Classification Process June 2021. Collection method: clinical testing. Allele origin: germline. Affected: yes.
Comment: See Variant Classification Assertion Criteria.

Illumina Laboratory Services, Illumina
Classification: Benign for Short QT syndrome type 3. Last evaluated: 2018-01-13. Review status: criteria provided, single submitter. Criteria: ICSL Variant Classification Criteria 13 December 2019. Collection method: clinical testing. Allele origin: germline.
Comment: This variant was observed in the ICSL laboratory as part of a predisposition screen in an ostensibly healthy population. It had not been previously curated by ICSL or reported in the Human Gene Mutation Database (HGMD: prior to June 1st, 2018), and was therefore a candidate for classification through an automated scoring system. Utilizing variant allele frequency, disease prevalence and penetrance estimates, and inheritance mode, an automated score was calculated to assess if this variant is too frequent to cause the disease. Based on the score and internal cut-off values, a variant classified as benign is not then subjected to further curation. The score for this variant resulted in a classification of benign for this disease.

Illumina Laboratory Services, Illumina
Classification: Likely benign for Atrial fibrillation, familial, 9. Last evaluated: 2018-01-13. Review status: criteria provided, single submitter. Criteria: ICSL Variant Classification Criteria 13 December 2019. Collection method: clinical testing. Allele origin: germline.
Comment: This variant was observed in the ICSL laboratory as part of a predisposition screen in an ostensibly healthy population. It had not been previously curated by ICSL or reported in the Human Gene Mutation Database (HGMD: prior to June 1st, 2018), and was therefore a candidate for classification through an automated scoring system. Utilizing variant allele frequency, disease prevalence and penetrance estimates, and inheritance mode, an automated score was calculated to assess if this variant is too frequent to cause the disease. Based on the score and internal cut-off values, a variant classified as likely benign is not then subjected to further curation. The score for this variant resulted in a classification of likely benign for this disease.

Illumina Laboratory Services, Illumina
Classification: Benign for Andersen Tawil syndrome. Last evaluated: 2018-01-13. Review status: criteria provided, single submitter. Criteria: ICSL Variant Classification Criteria 13 December 2019. Collection method: clinical testing. Allele origin: germline.
Comment: the same text as in the submission from Illumina Laboratory Services, Illumina above.